The following is an entry in ClinVar:

ClinVar aggregate classification (germline): Uncertain significance. Review status: criteria provided, multiple submitters, no conflicts (2 of 4 stars). 2 submissions from 2 submitters: Uncertain significance (2). Last evaluated 2019-06-26.

Conditions:
Glycogen storage disease, type V (GSD5). Also called: McArdle type glycogen storage disease; MCARDLE DISEASE; MUSCLE GLYCOGEN PHOSPHORYLASE DEFICIENCY; MYOPHOSPHORYLASE DEFICIENCY; PYGM DEFICIENCY. Identifiers: Orphanet 368, MedGen C0017924, MONDO:0009293, OMIM 232600.

gnomAD v4.1: 1 of 1,614,148 alleles (0.000062%); highest among the groups gnomAD compares: Non-Finnish European, 0.000085%; no homozygotes.

Submissions (2):

Revvity Omics, Revvity
Classification: Uncertain significance for Glycogen storage disease, type V. Last evaluated: 2019-06-26. Review status: criteria provided, single submitter. Criteria: ACMG Guidelines, 2015. Collection method: clinical testing. Allele origin: germline.

GeneDx
Classification: Uncertain significance. Last evaluated: 2017-08-30. Review status: criteria provided, single submitter. Criteria: GeneDx Variant Classification (06012015). Collection method: clinical testing. Allele origin: germline. Affected: yes.
Comment: The P612A variant has not been published as a pathogenic variant, nor has it been reported as a benign variant to our knowledge. The P612A variant is not observed in large population cohorts (Lek et al., 2016; 1000 Genomes Consortium et al., 2015; Exome Variant Server). This variant is a semi-conservative amino acid substitution, which may impact secondary protein structure as these residues differ in some properties. This substitution occurs at a position that is conserved across species, and in silico analysis predicts this variant is probably damaging to the protein structure/function. However, missense variants in nearby residues have not been reported in the Human Gene Mutation Database in association with McArdle disease (Stenson et al., 2014).

NM_005609.4(PYGM):c.1834C>G (p.Pro612Ala)

Gene: PYGM (glycogen phosphorylase, muscle associated; minus strand). Cytogenetic location: 11q13.1.
Variant type: single nucleotide variant.
Coding change: c.1834C>G on transcript NM_005609.4 (MANE Select); coding-DNA position 1834, C replaced by G.
Protein change: p.Pro612Ala; replaces proline 612 with alanine.
Molecular consequence: missense variant.
Genome position (GRCh38, 1-based): chr11:64,751,460, G>C on the plus strand (C>G on the coding strand, the complement: PYGM is on the minus strand). VCF-style: chr11-64751460-G-C. GRCh37 (hg19) VCF-style: chr11-64518932-G-C.
Other names: c.1570C>G, p.Pro524Ala (NM_001164716.1); short protein forms P612A, P524A.
Identifiers: ClinVar variation 451681 (VCV000451681.5), dbSNP rs1419658107, ClinGen allele CA381169451.
Genomic context (GRCh38, chr11:64,751,460, plus strand): 5'-TGACCACATCCCCGATGGCTGTGACGAGTCTGATGATCATCTTGGCCATGTGGTACCCAG[G>C]TGCAGCCTGAGGGGACAAAGTCTGGGGTCAGCTCTACTGCCTGGCCCCCCACCCCCTATC-3'
Protein context (NP_005600.1, residues 602-622): RTVMIGGKAA[Pro612Ala]GYHMAKMIIR